The following is an entry in ClinVar:

ClinVar aggregate classification (germline): Uncertain significance. Review status: criteria provided, multiple submitters, no conflicts (2 of 4 stars). 3 submissions from 3 submitters: Uncertain significance (2). 1 of the submissions does not count toward it. Last evaluated 2024-01-23.

Conditions:
Fanconi anemia complementation group A (FANCA). Also called: Fanconi anemia, group A; FANCA-Related Fanconi Anemia. Identifiers: Orphanet 84, MedGen C3469521, MONDO:0009215, OMIM 227650.

Allele frequency attached by ClinVar (database versions not stated): gnomAD exomes below 0.00001; gnomAD 0.00001; TOPMed 0.00001.
gnomAD v4.1: 6 of 1,613,740 alleles (0.00037%); highest among the groups gnomAD compares: African/African-American, 0.0027%; no homozygotes.

Submissions (3):

Fulgent Genetics
Classification: Uncertain significance for Fanconi anemia complementation group A. Last evaluated: 2024-01-23. Review status: criteria provided, single submitter. Criteria: ACMG Guidelines, 2015. Collection method: clinical testing. Allele origin: germline.

Quest Diagnostics Nichols Institute San Juan Capistrano
Classification: Uncertain significance. Last evaluated: 2022-10-24. Review status: criteria provided, single submitter. Criteria: Quest Diagnostics criteria. Collection method: clinical testing. Allele origin: unknown.
Comment: To the best of our knowledge, the variant has not been reported in the published literature. The frequency of this variant in the general population, 0.000032 (1/31388 chromosomes), is uninformative in assessment of its pathogenicity. Analysis of this variant using bioinformatics tools for the prediction of the effect of amino acid changes on protein structure and function yielded predictions that this variant is damaging. Additional analysis using software algorithms for the prediction of the effect of nucleotide changes on splicing yielded predictions that this variant may affect proper FANCA mRNA splicing . Based on the available information, we are unable to determine the clinical significance of this variant.

Leiden Open Variation Database
Classification: Pathogenic for Fanconi anemia complementation group A. Last evaluated: 2020-02-28. Review status: no assertion criteria provided. Collection method: curation. Allele origin: germline. Affected: yes. Not counted in ClinVar's aggregate classification.
Comment: Curator: Arleen D. Auerbach. Submitter to LOVD: Arleen D. Auerbach.

NM_000135.4(FANCA):c.596G>C (p.Ser199Thr)

Gene: FANCA (FA complementation group A; minus strand). Cytogenetic location: 16q24.3.
Variant type: single nucleotide variant.
Coding change: c.596G>C on transcript NM_000135.4 (MANE Select); coding-DNA position 596, G replaced by C.
Protein change: p.Ser199Thr; replaces serine 199 with threonine.
Molecular consequence: missense variant.
Genome position (GRCh38, 1-based): chr16:89,808,294, C>G on the plus strand (G>C on the coding strand, the complement: FANCA is on the minus strand). VCF-style: chr16-89808294-C-G. GRCh37 (hg19) VCF-style: chr16-89874702-C-G.
Other names: c.596G>C, p.Ser199Thr (NM_001018112.3, NM_001286167.3); c.500G>C, p.Ser167Thr (NM_001351830.2); c.596G>C (NM_000135.3); short protein forms S167T, S199T.
Identifiers: ClinVar variation 974286 (VCV000974286.3), dbSNP rs764157478, ClinGen allele CA286607450.